The following is an entry in ClinVar:

ClinVar aggregate classification (germline): Uncertain significance. Review status: criteria provided, multiple submitters, no conflicts (2 of 4 stars). 2 submissions from 2 submitters: Uncertain significance (2). Last evaluated 2024-11-21.

Conditions:
TSC2-related disorder. Also called: TSC2-related condition; TSC2-Related Disorders.
Tuberous sclerosis 2 (TSC2). Identifiers: Orphanet 805, MedGen C1860707, MONDO:0013199, OMIM 613254.

Allele frequency attached by ClinVar (database versions not stated): TOPMed below 0.00001; gnomAD 0.00001.
gnomAD v4.1: 1 of 1,612,544 alleles (0.000062%); highest among the groups gnomAD compares: Non-Finnish European, 0.000085%; no homozygotes.

Submissions (2):

Labcorp Genetics (formerly Invitae), Labcorp
Classification: Uncertain significance for Tuberous sclerosis 2. Last evaluated: 2024-11-21. Review status: criteria provided, single submitter. Criteria: Invitae Variant Classification Sherloc (09022015). Collection method: clinical testing. Allele origin: germline.
Comment: This sequence change replaces aspartic acid, which is acidic and polar, with glycine, which is neutral and non-polar, at codon 1541 of the TSC2 protein (p.Asp1541Gly). This variant is not present in population databases (gnomAD no frequency). This variant has not been reported in the literature in individuals affected with TSC2-related conditions. ClinVar contains an entry for this variant (Variation ID: 2633616). Invitae Evidence Modeling of protein sequence and biophysical properties (such as structural, functional, and spatial information, amino acid conservation, physicochemical variation, residue mobility, and thermodynamic stability) has been performed for this missense variant. However, the output from this modeling did not meet the statistical confidence thresholds required to predict the impact of this variant on TSC2 protein function. In summary, the available evidence is currently insufficient to determine the role of this variant in disease. Therefore, it has been classified as a Variant of Uncertain Significance.

PreventionGenetics, part of Exact Sciences
Classification: Uncertain significance for TSC2-related condition. Last evaluated: 2023-04-07. Review status: criteria provided, single submitter. Criteria: ACMG Guidelines, 2015. Collection method: clinical testing. Allele origin: germline.
Comment: The TSC2 c.4622A>G variant is predicted to result in the amino acid substitution p.Asp1541Gly. To our knowledge, this variant has not been reported in the literature or in a large population database, indicating this variant is rare. At this time, the clinical significance of this variant is uncertain due to the absence of conclusive functional and genetic evidence.

NM_000548.5(TSC2):c.4622A>G (p.Asp1541Gly)

Gene: TSC2 (TSC complex subunit 2; plus strand). Cytogenetic location: 16p13.3.
Variant type: single nucleotide variant.
Coding change: c.4622A>G on transcript NM_000548.5 (MANE Select); coding-DNA position 4622, A replaced by G.
Protein change: p.Asp1541Gly; replaces aspartic acid 1541 with glycine.
Molecular consequence: missense variant. On other transcripts: non-coding transcript variant (5).
Genome position (GRCh38, 1-based): chr16:2,085,282, A>G. VCF-style: chr16-2085282-A-G. GRCh37 (hg19) VCF-style: chr16-2135283-A-G.
Other names: c.4421A>G, p.Asp1474Gly (NM_001077183.3); c.4553A>G, p.Asp1518Gly (NM_001114382.3); c.4313A>G, p.Asp1438Gly (NM_001318827.2); c.4277A>G, p.Asp1426Gly (NM_001318829.2); c.3890A>G, p.Asp1297Gly (NM_001318831.2); c.4454A>G, p.Asp1485Gly (NM_001318832.2); c.4424A>G, p.Asp1475Gly (NM_001363528.2); c.4406A>G, p.Asp1469Gly (NM_001406675.1); and 26 more; short protein forms D1504G, D1505G, D1515G, D1517G, D1518G, D1540G, D1541G, D940G.
Identifiers: ClinVar variation 2633616 (VCV002633616.4), dbSNP rs1419056951, ClinGen allele CA394304815.